The following is an entry in ClinVar:

ClinVar aggregate classification (germline): Benign/Likely benign. Review status: criteria provided, multiple submitters, no conflicts (2 of 4 stars). 5 submissions from 5 submitters: Benign (1); Likely benign (4). Last evaluated 2026-01-05.

Conditions:
Ehlers-Danlos syndrome, classic type, 1 (EDSCL1). Also called: EHLERS-DANLOS SYNDROME, GRAVIS TYPE; EHLERS-DANLOS SYNDROME, SEVERE CLASSIC TYPE; Ehlers-Danlos syndrome, type 1; EDS I; Ehlers-Danlos Syndrome, Classic Type, COL5A1-Related. Identifiers: MedGen C0268335, MONDO:0019567, OMIM 130000.
Osteogenesis imperfecta type I (OI1). Also called: OI, TYPE I; OSTEOGENESIS IMPERFECTA TARDA; OSTEOGENESIS IMPERFECTA WITH BLUE SCLERAE; Lobstein disease; Osteogenesis imperfecta type 1; Lobstein's Disease. Identifiers: Orphanet 216796, Orphanet 666, MedGen C0023931, MONDO:0008146, OMIM 166200. Disease mechanism: loss of function.

Allele frequency attached by ClinVar (database versions not stated): 1000 Genomes Project 30x 0.00016; TOPMed 0.00017; ExAC 0.00020; gnomAD 0.00022 and 0.00024; ESP Exome Variant Server 0.00038.
gnomAD v4.1: 432 of 1,608,776 alleles (0.027%); highest among the groups gnomAD compares: Non-Finnish European, 0.036%; no homozygotes.

Submissions (5):

Labcorp Genetics (formerly Invitae), Labcorp
Classification: Likely benign for Osteogenesis imperfecta type I; Ehlers-Danlos syndrome, classic type, 1. Last evaluated: 2026-01-05. Review status: criteria provided, single submitter. Criteria: Invitae Variant Classification Sherloc (09022015). Collection method: clinical testing. Allele origin: germline.

Athena Diagnostics
Classification: Likely benign. Last evaluated: 2025-06-16. Review status: criteria provided, single submitter. Criteria: Athena Diagnostics Criteria. Collection method: clinical testing. Allele origin: unknown.
Comment: The frequency of this variant in the general population is higher than would generally be expected for pathogenic variants in this gene. Computational tools yielded predictions that this variant is unlikely to have an effect on normal RNA splicing. This nucleotide position exhibits low evolutionary conservation.

Women's Health and Genetics/Laboratory Corporation of America, LabCorp
Classification: Benign. Last evaluated: 2024-11-13. Review status: criteria provided, single submitter. Criteria: LabCorp Variant Classification Summary - May 2015. Collection method: clinical testing. Allele origin: germline.
Comment: Variant summary: COL1A2 c.639+19A>T alters a non-conserved nucleotide located at a position not widely known to affect splicing. Consensus agreement among computation tools predict no significant impact on normal splicing. However, these predictions have yet to be confirmed by functional studies. The variant allele was found at a frequency of 0.00015 in 250360 control chromosomes. The observed variant frequency is approximately 5 fold of the estimated maximal expected allele frequency for a pathogenic variant in COL1A2 causing Osteogenesis Imperfecta phenotype (2.8e-05). To our knowledge, no occurrence of c.639+19A>T in individuals affected with Osteogenesis Imperfecta and no experimental evidence demonstrating its impact on protein function have been reported. ClinVar contains an entry for this variant (Variation ID: 35954). Based on the evidence outlined above, the variant was classified as benign.

Blueprint Genetics
Classification: Likely benign. Last evaluated: 2024-10-10. Review status: criteria provided, single submitter. Criteria: ACMG Guidelines, 2015. Collection method: clinical testing. Allele origin: germline.

GeneDx
Classification: Likely benign. Last evaluated: 2017-11-10. Review status: criteria provided, single submitter. Criteria: GeneDx Variant Classification (06012015). Collection method: clinical testing. Allele origin: germline. Affected: yes.
Comment: This variant is considered likely benign or benign based on one or more of the following criteria: it is a conservative change, it occurs at a poorly conserved position in the protein, it is predicted to be benign by multiple in silico algorithms, and/or has population frequency not consistent with disease.

NM_000089.4(COL1A2):c.639+19A>T

Gene: COL1A2 (collagen type I alpha 2 chain; plus strand). Cytogenetic location: 7q21.3.
Variant type: single nucleotide variant.
Coding change: c.639+19A>T on transcript NM_000089.4 (MANE Select); 19 bases into the intron after coding-DNA position 639, A replaced by T.
Molecular consequence: intron variant.
Genome position (GRCh38, 1-based): chr7:94,407,910, A>T. VCF-style: chr7-94407910-A-T. GRCh37 (hg19) VCF-style: chr7-94037222-A-T.
Identifiers: ClinVar variation 35954 (VCV000035954.13), dbSNP rs183516726, ClinGen allele CA260381.